The following is an entry in ClinVar:

ClinVar aggregate classification (germline): Uncertain significance (1 of 4 stars; one submission).

Conditions:
Neurofibromatosis, type 1 (NF1). Also called: Neurofibromatosis, type I; NEUROFIBROMATOSIS, TYPE I, SOMATIC; Peripheral type neurofibromatosis; VON RECKLINGHAUSEN DISEASE. Identifiers: Orphanet 636, MedGen C0027831, MONDO:0018975, OMIM 162200. Disease mechanism: loss of function.

Allele frequency attached by ClinVar (database versions not stated): gnomAD exomes below 0.00001.

Submission:

Labcorp Genetics (formerly Invitae), Labcorp
Classification: Uncertain significance for Neurofibromatosis, type 1. Last evaluated: 2023-11-29. Review status: criteria provided, single submitter. Criteria: Invitae Variant Classification Sherloc (09022015). Collection method: clinical testing. Allele origin: germline.
Comment: This sequence change replaces threonine, which is neutral and polar, with alanine, which is neutral and non-polar, at codon 1273 of the NF1 protein (p.Thr1273Ala). This variant is not present in population databases (gnomAD no frequency). This variant has not been reported in the literature in individuals affected with NF1-related conditions. Advanced modeling of protein sequence and biophysical properties (such as structural, functional, and spatial information, amino acid conservation, physicochemical variation, residue mobility, and thermodynamic stability) performed at Invitae indicates that this missense variant is expected to disrupt NF1 protein function with a positive predictive value of 95%. In summary, the available evidence is currently insufficient to determine the role of this variant in disease. Therefore, it has been classified as a Variant of Uncertain Significance.

NM_001042492.3(NF1):c.3817A>G (p.Thr1273Ala)

Gene: NF1 (neurofibromin 1; plus strand). Cytogenetic location: 17q11.2.
Variant type: single nucleotide variant.
Coding change: c.3817A>G on transcript NM_001042492.3 (MANE Select); coding-DNA position 3817, A replaced by G.
Protein change: p.Thr1273Ala; replaces threonine 1273 with alanine.
Molecular consequence: missense variant.
Genome position (GRCh38, 1-based): chr17:31,235,719, A>G. VCF-style: chr17-31235719-A-G. GRCh37 (hg19) VCF-style: chr17-29562737-A-G.
Other names: c.3817A>G, p.Thr1273Ala (NM_000267.4); short protein forms T1273A.
Identifiers: ClinVar variation 2733534 (VCV002733534.3), dbSNP rs2508259812, ClinGen allele CA398992717.